The following is an entry in ClinVar:

ClinVar aggregate classification (germline): Uncertain significance. Review status: criteria provided, multiple submitters, no conflicts (2 of 4 stars). 2 submissions from 2 submitters: Uncertain significance (2). Last evaluated 2024-01-31.

Conditions:
Aortic aneurysm, familial thoracic 6 (AAT6). Also called: FAMILIAL THORACIC AORTIC ANEURYSM WITH LIVEDO RETICULARIS AND IRIS FLOCCULI. Identifiers: MedGen C2673186, MONDO:0012730, OMIM 611788.
Familial thoracic aortic aneurysm and aortic dissection (TAAD). Also called: Thoracic aortic aneurysms and dissections. Identifiers: Orphanet 91387, MedGen C4707243, MONDO:0019625.

Submissions (2):

Ambry Genetics
Classification: Uncertain significance for Familial thoracic aortic aneurysm and aortic dissection. Last evaluated: 2024-01-31. Review status: criteria provided, single submitter. Criteria: Ambry Variant Classification Scheme 2023. Collection method: clinical testing. Allele origin: germline.
Comment: The p.E169K variant (also known as c.505G>A), located in coding exon 5 of the ACTA2 gene, results from a G to A substitution at nucleotide position 505. The glutamic acid at codon 169 is replaced by lysine, an amino acid with similar properties. This amino acid position is highly conserved in available vertebrate species. In addition, this alteration is predicted to be deleterious by in silico analysis. Since supporting evidence is limited at this time, the clinical significance of this alteration remains unclear.

Labcorp Genetics (formerly Invitae), Labcorp
Classification: Uncertain significance for Aortic aneurysm, familial thoracic 6. Last evaluated: 2023-08-22. Review status: criteria provided, single submitter. Criteria: Invitae Variant Classification Sherloc (09022015). Collection method: clinical testing. Allele origin: germline.
Comment: This variant is not present in population databases (gnomAD no frequency). In summary, the available evidence is currently insufficient to determine the role of this variant in disease. Therefore, it has been classified as a Variant of Uncertain Significance. Advanced modeling of protein sequence and biophysical properties (such as structural, functional, and spatial information, amino acid conservation, physicochemical variation, residue mobility, and thermodynamic stability) performed at Invitae indicates that this missense variant is not expected to disrupt ACTA2 protein function. ClinVar contains an entry for this variant (Variation ID: 1745094). This variant has not been reported in the literature in individuals affected with ACTA2-related conditions. This sequence change replaces glutamic acid, which is acidic and polar, with lysine, which is basic and polar, at codon 169 of the ACTA2 protein (p.Glu169Lys).

NM_001613.4(ACTA2):c.505G>A (p.Glu169Lys)

Gene: ACTA2 (actin alpha 2, smooth muscle; minus strand). Cytogenetic location: 10q23.31.
Variant type: single nucleotide variant.
Coding change: c.505G>A on transcript NM_001613.4 (MANE Select); coding-DNA position 505, G replaced by A.
Protein change: p.Glu169Lys; replaces glutamic acid 169 with lysine.
Molecular consequence: missense variant.
Genome position (GRCh38, 1-based): chr10:88,941,340, C>T on the plus strand (G>A on the coding strand, the complement: ACTA2 is on the minus strand). VCF-style: chr10-88941340-C-T. GRCh37 (hg19) VCF-style: chr10-90701097-C-T.
Other names: c.505G>A, p.Glu169Lys (NM_001141945.3, NM_001320855.2, NM_001406462.1 and 3 more transcripts); c.394G>A, p.Glu132Lys (NM_001406466.1); c.376G>A, p.Glu126Lys (NM_001406467.1, NM_001406468.1, NM_001406469.1); short protein forms E126K, E132K, E169K.
Identifiers: ClinVar variation 1745094 (VCV001745094.5), dbSNP rs2494538506, ClinGen allele CA377512279.